The following is an entry in ClinVar:

NM_000936.4(PNLIP):c.475T>G (p.Ser159Ala)

Gene: PNLIP (pancreatic lipase; plus strand). Cytogenetic location: 10q25.3.
Variant type: single nucleotide variant.
Coding change: c.475T>G on transcript NM_000936.4 (MANE Select); coding-DNA position 475, T replaced by G.
Protein change: p.Ser159Ala; replaces serine 159 with alanine.
Molecular consequence: missense variant.
Genome position (GRCh38, 1-based): chr10:116,553,742, T>G. VCF-style: chr10-116553742-T-G. GRCh37 (hg19) VCF-style: chr10-118313254-T-G.
Other names: c.475T>G (NM_000936.2); short protein forms S159A.
Identifiers: ClinVar variation 2127055 (VCV002127055.5), dbSNP rs779813298, ClinGen allele CA5706504.
Genomic context (GRCh38, chr10:116,553,742, plus strand): 5'-ATGACTGCACTTGAAAACATTCTGAAAAGGTTTTCTTTCCGACAGTCGGCGTTCGGTTAC[T>G]CACCTTCCAATGTGCATGTCATTGGCCACAGCCTGGGTGCCCACGCTGCTGGGGAGGCTG-3'
Protein context (NP_000927.1, residues 149-169): VEFLQSAFGY[Ser159Ala]PSNVHVIGHS

ClinVar aggregate classification (germline): Uncertain significance. Review status: criteria provided, multiple submitters, no conflicts (2 of 4 stars). 2 submissions from 2 submitters: Uncertain significance (2). Last evaluated 2024-10-24.

Allele frequency attached by ClinVar (database versions not stated): ExAC 0.00001; gnomAD 0.00001; gnomAD exomes 0.00001; TOPMed 0.00001.
gnomAD v4.1: 13 of 1,611,882 alleles (0.00081%); highest among the groups gnomAD compares: Middle Eastern, 0.016%; no homozygotes.

Submissions (2):

Labcorp Genetics (formerly Invitae), Labcorp
Classification: Uncertain significance. Last evaluated: 2024-10-24. Review status: criteria provided, single submitter. Criteria: Invitae Variant Classification Sherloc (09022015). Collection method: clinical testing. Allele origin: germline.
Comment: This sequence change replaces serine, which is neutral and polar, with alanine, which is neutral and non-polar, at codon 159 of the PNLIP protein (p.Ser159Ala). This variant is present in population databases (rs779813298, gnomAD 0.003%). This variant has not been reported in the literature in individuals affected with PNLIP-related conditions. ClinVar contains an entry for this variant (Variation ID: 2127055). Invitae Evidence Modeling of protein sequence and biophysical properties (such as structural, functional, and spatial information, amino acid conservation, physicochemical variation, residue mobility, and thermodynamic stability) indicates that this missense variant is not expected to disrupt PNLIP protein function with a negative predictive value of 80%. In summary, the available evidence is currently insufficient to determine the role of this variant in disease. Therefore, it has been classified as a Variant of Uncertain Significance.

Ambry Genetics
Classification: Uncertain significance. Last evaluated: 2024-04-15. Review status: criteria provided, single submitter. Criteria: Ambry Variant Classification Scheme 2023. Collection method: clinical testing. Allele origin: germline.